The following is an entry in ClinVar:

NM_000051.4(ATM):c.6829del (p.Gln2277fs)

Genes: ATM (ATM serine/threonine kinase; plus strand), C11orf65 (chromosome 11 open reading frame 65; minus strand). Cytogenetic location: 11q22.3.
Variant type: Deletion.
Coding change: c.6829del on transcript NM_000051.4 (MANE Select); coding-DNA position 6829, one base deleted (C; older notation c.6829delC).
Protein change: p.Gln2277fs; shifts the reading frame from glutamine 2277.
Molecular consequence: frameshift variant. On other transcripts: intron variant (2).
Genome position (GRCh38, 1-based): chr11:108,326,079, C deleted. VCF-style (leftmost placement, unchanged base first): chr11-108326078-TC-T. GRCh37 (hg19) VCF-style: chr11-108196805-TC-T.
Other names: c.6829del, p.Gln2277fs (NM_001351834.2); c.641-17008del (NM_001330368.2); c.*38+9141del (NM_001351110.2); short protein forms Q2277fs.
Identifiers: ClinVar variation 1075269 (VCV001075269.10), dbSNP rs2136332132, ClinGen allele CA2499220696.
Genomic context (GRCh38, chr11:108,326,078, plus strand): 5'-TAGTAAAAGTATTTATTCCCATATGTCATTTTCATTTCAGCTCCCTGAAAGGGCAATATT[TC>T]AAATTAAACAGTACAATTCAGTTAGCTGTGGAGTCTCTGAGTGGCAGCTGGAAGAAGCAC-3'

ClinVar aggregate classification (germline): Pathogenic. Review status: criteria provided, multiple submitters, no conflicts (2 of 4 stars). 4 submissions from 4 submitters: Pathogenic (4). Last evaluated 2025-02-16.

Conditions:
Familial cancer of breast. Also called: Hereditary breast cancer; hereditary breast carcinoma; BREAST CANCER, FAMILIAL. Identifiers: Orphanet 227535, MedGen C0346153, MONDO:0016419, OMIM 114480. Disease mechanism: loss of function.
Hereditary cancer-predisposing syndrome. Also called: Neoplastic Syndromes, Hereditary; Tumor predisposition; Hereditary Cancer Syndrome; Hereditary neoplastic syndrome. Identifiers: Orphanet 140162, MedGen C0027672, MeSH D009386, MONDO:0015356.
Ataxia-telangiectasia syndrome (AT). Also called: Ataxia telangiectasia (A-T); ATAXIA-TELANGIECTASIA, COMPLEMENTATION GROUP A; ATAXIA-TELANGIECTASIA, FRESNO VARIANT; Ataxia-telangiectasia; Ataxia-telangiectasia, complementation group E; LOUIS-BAR SYNDROME. Identifiers: Orphanet 100, MedGen C0004135, MONDO:0008840, OMIM 208900.

Submissions (4):

Labcorp Genetics (formerly Invitae), Labcorp
Classification: Pathogenic for Ataxia-telangiectasia syndrome. Last evaluated: 2025-02-16. Review status: criteria provided, single submitter. Criteria: Invitae Variant Classification Sherloc (09022015). Collection method: clinical testing. Allele origin: germline.
Comment: This sequence change creates a premature translational stop signal (p.Gln2277Lysfs*33) in the ATM gene. It is expected to result in an absent or disrupted protein product. Loss-of-function variants in ATM are known to be pathogenic (PMID: 23807571, 25614872). This variant is not present in population databases (gnomAD no frequency). This variant has not been reported in the literature in individuals affected with ATM-related conditions. ClinVar contains an entry for this variant (Variation ID: 1075269). For these reasons, this variant has been classified as Pathogenic.

Myriad Genetics, Inc.
Classification: Pathogenic for Familial cancer of breast. Last evaluated: 2024-01-30. Review status: criteria provided, single submitter. Criteria: Myriad Autosomal Dominant, Autosomal Recessive and X-Linked Classification Criteria (2023). Collection method: clinical testing. Allele origin: unknown.
Comment: This variant is considered pathogenic. This variant creates a frameshift predicted to result in premature protein truncation.

Ambry Genetics
Classification: Pathogenic for Hereditary cancer-predisposing syndrome. Last evaluated: 2023-12-22. Review status: criteria provided, single submitter. Criteria: Ambry Variant Classification Scheme 2023. Collection method: clinical testing. Allele origin: germline.
Comment: The c.6829delC pathogenic mutation, located in coding exon 46 of the ATM gene, results from a deletion of one nucleotide at nucleotide position 6829, causing a translational frameshift with a predicted alternate stop codon (p.Q2277Kfs*33). This alteration is expected to result in loss of function by premature protein truncation or nonsense-mediated mRNA decay. As such, this alteration is interpreted as a disease-causing mutation.

Baylor Genetics
Classification: Pathogenic for Familial cancer of breast. Last evaluated: 2023-09-06. Review status: criteria provided, single submitter. Criteria: ACMG Guidelines, 2015. Collection method: clinical testing. Allele origin: unknown.

Literature cited by the submitters: PubMed 23807571 (cited by Labcorp Genetics (formerly Invitae), Labcorp); PubMed 25614872 (cited by Labcorp Genetics (formerly Invitae), Labcorp).